The following is an entry in ClinVar:

NM_000090.4(COL3A1):c.3032G>A (p.Gly1011Glu)

Gene: COL3A1 (collagen type III alpha 1 chain; plus strand). Cytogenetic location: 2q32.2.
Variant type: single nucleotide variant.
Coding change: c.3032G>A on transcript NM_000090.4 (MANE Select); coding-DNA position 3032, G replaced by A.
Protein change: p.Gly1011Glu; replaces glycine 1011 with glutamic acid.
Molecular consequence: missense variant.
Genome position (GRCh38, 1-based): chr2:189,005,450, G>A. VCF-style: chr2-189005450-G-A. GRCh37 (hg19) VCF-style: chr2-189870176-G-A.
Identifiers: ClinVar variation 101256 (VCV000101256.10), dbSNP rs587779552, ClinGen allele CA005953.
Genomic context (GRCh38, chr2:189,005,450, plus strand): 5'-AACGTGGTCCCCCTGGACCCCAGGGTCTTCCTGGTCTGGCTGGTACAGCTGGTGAACCTG[G>A]AAGAGATGTGAGTAGCAGTTTTTATTCAACCAGCCAGGTAGAATTTGATAATTTATTTCA-3'
Protein context (NP_000081.2, residues 1001-1021): PGLAGTAGEP[Gly1011Glu]RDGNPGSDGL

ClinVar aggregate classification (germline): Likely pathogenic. Review status: criteria provided, single submitter (1 of 4 stars). 2 submissions from 2 submitters: Likely pathogenic (1). 1 of the submissions does not count toward it. Last evaluated 2023-02-03.

Conditions:
Ehlers-Danlos syndrome, type 4 (EDSVASC). Also called: Ehlers-Danlos syndrome vascular type; Ehlers Danlos syndrome, ecchymotic type; Ehlers Danlos syndrome, arterial type; Ehlers Danlos syndrome, Sack-Barabas type; Ehlers-Danlos Syndrome Type IV. Identifiers: Orphanet 286, MedGen C0268338, MONDO:0017314, OMIM 130050.

Submissions (2):

Labcorp Genetics (formerly Invitae), Labcorp
Classification: Likely pathogenic for Ehlers-Danlos syndrome, type 4. Last evaluated: 2023-02-03. Review status: criteria provided, single submitter. Criteria: Invitae Variant Classification Sherloc (09022015). Collection method: clinical testing. Allele origin: germline.
Comment: ClinVar contains an entry for this variant (Variation ID: 101256). In summary, the currently available evidence indicates that the variant is pathogenic, but additional data are needed to prove that conclusively. Therefore, this variant has been classified as Likely Pathogenic. This variant disrupts the triple helix domain of COL3A1. Glycine residues within the Gly-Xaa-Yaa repeats of the triple helix domain are required for the structure and stability of fibrillar collagens (PMID: 7695699, 8218237, 19344236). In COL3A1, variants that affect these glycine residues are significantly enriched in individuals with disease (PMID: 24922459, 25758994) compared to the general population (ExAC). Advanced modeling of protein sequence and biophysical properties (such as structural, functional, and spatial information, amino acid conservation, physicochemical variation, residue mobility, and thermodynamic stability) performed at Invitae indicates that this missense variant is expected to disrupt COL3A1 protein function. This variant is also known as p.Gly844Glu. This missense change has been observed in individual(s) with clinical features of COL3A1-related conditions (PMID: 10706896; Invitae). This variant is not present in population databases (gnomAD no frequency). This sequence change replaces glycine, which is neutral and non-polar, with glutamic acid, which is acidic and polar, at codon 1011 of the COL3A1 protein (p.Gly1011Glu).

Collagen Diagnostic Laboratory, University of Washington
Classification: Pathogenic for Ehlers-Danlos syndrome, type 4. Review status: no assertion criteria provided. Collection method: clinical testing. Allele origin: germline. Affected: yes. Not counted in ClinVar's aggregate classification.

Literature cited by the submitters: PubMed 7695699 (cited by Labcorp Genetics (formerly Invitae), Labcorp); PubMed 8218237 (cited by Labcorp Genetics (formerly Invitae), Labcorp); PubMed 19344236 (cited by Labcorp Genetics (formerly Invitae), Labcorp); PubMed 24922459 (cited by Labcorp Genetics (formerly Invitae), Labcorp); PubMed 25758994 (cited by Labcorp Genetics (formerly Invitae), Labcorp); PubMed 10706896 (cited by Labcorp Genetics (formerly Invitae), Labcorp and Collagen Diagnostic Laboratory, University of Washington).